The following is an entry in ClinVar:

NM_000321.3(RB1):c.1443T>G (p.Ile481Met)

Gene: RB1 (RB transcriptional corepressor 1; plus strand). Cytogenetic location: 13q14.2.
Variant type: single nucleotide variant.
Coding change: c.1443T>G on transcript NM_000321.3 (MANE Select); coding-DNA position 1443, T replaced by G.
Protein change: p.Ile481Met; replaces isoleucine 481 with methionine.
Molecular consequence: missense variant.
Genome position (GRCh38, 1-based): chr13:48,380,186, T>G. VCF-style: chr13-48380186-T-G. GRCh37 (hg19) VCF-style: chr13-48954322-T-G.
Other names: short protein forms I481M.
Identifiers: ClinVar variation 958092 (VCV000958092.9), dbSNP rs1948522676, ClinGen allele CA388162806.

ClinVar aggregate classification (germline): Uncertain significance (1 of 4 stars; one submission).

Conditions:
Retinoblastoma (RB1). Also called: RETINOBLASTOMA, SOMATIC. Identifiers: Orphanet 790, MedGen C0035335, MeSH D012175, MONDO:0008380, OMIM 180200, HP:0009919. Disease mechanism: loss of function. Inheritance: Both sporadic and heritable forms are tested..

Submission:

Labcorp Genetics (formerly Invitae), Labcorp
Classification: Uncertain significance for Retinoblastoma. Last evaluated: 2019-10-06. Review status: criteria provided, single submitter. Criteria: Invitae Variant Classification Sherloc (09022015). Collection method: clinical testing. Allele origin: germline.
Comment: This sequence change replaces isoleucine with methionine at codon 481 of the RB1 protein (p.Ile481Met). The isoleucine residue is highly conserved and there is a small physicochemical difference between isoleucine and methionine. This variant is not present in population databases (ExAC no frequency). This variant has not been reported in the literature in individuals with RB1-related conditions. Algorithms developed to predict the effect of missense changes on protein structure and function are either unavailable or do not agree on the potential impact of this missense change (SIFT: "Deleterious"; PolyPhen-2: "Possibly Damaging"; Align-GVGD: "Class C0"). In summary, the available evidence is currently insufficient to determine the role of this variant in disease. Therefore, it has been classified as a Variant of Uncertain Significance.